The following is an entry in ClinVar:

NM_001035.3(RYR2):c.1066T>C (p.Tyr356His)

Gene: RYR2 (ryanodine receptor 2; plus strand). Cytogenetic location: 1q43.
Variant type: single nucleotide variant.
Coding change: c.1066T>C on transcript NM_001035.3 (MANE Select); coding-DNA position 1066, T replaced by C.
Protein change: p.Tyr356His; replaces tyrosine 356 with histidine.
Molecular consequence: missense variant.
Genome position (GRCh38, 1-based): chr1:237,441,379, T>C. VCF-style: chr1-237441379-T-C. GRCh37 (hg19) VCF-style: chr1-237604679-T-C.
Other names: short protein forms Y356H.
Identifiers: ClinVar variation 1407750 (VCV001407750.8), dbSNP rs794728718, ClinGen allele CA16621969.

ClinVar aggregate classification (germline): Uncertain significance. Review status: criteria provided, multiple submitters, no conflicts (2 of 4 stars). 3 submissions from 3 submitters: Uncertain significance (3). Last evaluated 2024-08-21.

Conditions:
Cardiomyopathy (CMYO). Also called: Cardiomyopathies. Identifiers: Orphanet 167848, MedGen C0878544, MONDO:0004994, HP:0001638. Inheritance: Various modes of inheritance.
Catecholaminergic polymorphic ventricular tachycardia 1. Also called: VENTRICULAR TACHYCARDIA, STRESS-INDUCED POLYMORPHIC 1; VENTRICULAR TACHYCARDIA, CATECHOLAMINERGIC POLYMORPHIC, 1, WITH OR WITHOUT ATRIAL DYSFUNCTION AND/OR DILATED CARDIOMYOPATHY; RYR2-Related Catecholaminergic Polymorphic Ventricular Tachycardia. Identifiers: Orphanet 3286, MedGen C1631597, MONDO:0011484, OMIM 604772.
Catecholaminergic polymorphic ventricular tachycardia (CVPT). Also called: Catecholamine-induced polymorphic ventricular tachycardia. Identifiers: Orphanet 3286, MedGen C5574922, MONDO:0017990.

Allele frequency attached by ClinVar (database versions not stated): gnomAD exomes below 0.00001; gnomAD 0.00002; TOPMed 0.00002.
gnomAD v4.1: 9 of 1,613,684 alleles (0.00056%); highest among the groups gnomAD compares: African/African-American, 0.0013%; no homozygotes.

Submissions (3):

Labcorp Genetics (formerly Invitae), Labcorp
Classification: Uncertain significance for Catecholaminergic polymorphic ventricular tachycardia 1. Last evaluated: 2024-08-21. Review status: criteria provided, single submitter. Criteria: Invitae Variant Classification Sherloc (09022015). Collection method: clinical testing. Allele origin: germline.
Comment: This sequence change replaces tyrosine, which is neutral and polar, with histidine, which is basic and polar, at codon 356 of the RYR2 protein (p.Tyr356His). This variant is present in population databases (no rsID available, gnomAD 0.01%). This variant has not been reported in the literature in individuals affected with RYR2-related conditions. ClinVar contains an entry for this variant (Variation ID: 1407750). Invitae Evidence Modeling of protein sequence and biophysical properties (such as structural, functional, and spatial information, amino acid conservation, physicochemical variation, residue mobility, and thermodynamic stability) indicates that this missense variant is expected to disrupt RYR2 protein function with a positive predictive value of 95%. In summary, the available evidence is currently insufficient to determine the role of this variant in disease. Therefore, it has been classified as a Variant of Uncertain Significance.

All of Us Research Program, National Institutes of Health
Classification: Uncertain significance for Catecholaminergic polymorphic ventricular tachycardia. Last evaluated: 2024-04-25. Review status: criteria provided, single submitter. Criteria: ACMG Guidelines, 2015. Collection method: clinical testing. Allele origin: germline. Inheritance: Autosomal dominant inheritance. Observed: 1 variant allele, 1 heterozygote.
Comment: This missense variant replaces tyrosine with histidine at codon 356 of the RYR2 protein. Computational prediction suggests that this variant may have deleterious impact on protein structure and function. To our knowledge, functional studies have not been reported for this variant. This variant has not been reported in individuals affected with RYR2-related disorders in the literature. This variant has been identified in 1/248834 chromosomes in the general population by the Genome Aggregation Database (gnomAD). The available evidence is insufficient to determine the role of this variant in disease conclusively. Therefore, this variant is classified as a Variant of Uncertain Significance.

This study involves interpretation of variants in research participants for the purpose of population health screening. Participant phenotype was not available at the time of variant classification. Additional details can be found in publication PMID: 35346344, PMCID: PMC8962531

Color Diagnostics, LLC DBA Color Health
Classification: Uncertain significance for Cardiomyopathy. Last evaluated: 2024-04-16. Review status: criteria provided, single submitter. Criteria: ACMG Guidelines, 2015. Collection method: clinical testing. Allele origin: germline.
Comment: This missense variant replaces tyrosine with histidine at codon 356 of the RYR2 protein. Computational prediction suggests that this variant may have deleterious impact on protein structure and function. To our knowledge, functional studies have not been reported for this variant. This variant has not been reported in individuals affected with RYR2-related disorders in the literature. This variant has been identified in 1/248834 chromosomes in the general population by the Genome Aggregation Database (gnomAD). The available evidence is insufficient to determine the role of this variant in disease conclusively. Therefore, this variant is classified as a Variant of Uncertain Significance.